The following is an entry in ClinVar:

ClinVar aggregate classification (germline): Likely benign (1 of 4 stars; one submission).

gnomAD v4.1: 24 of 1,528,206 alleles (0.0016%); highest among the groups gnomAD compares: African/African-American, 0.03%; no homozygotes.

Submission:

Women's Health and Genetics/Laboratory Corporation of America, LabCorp
Classification: Likely benign. Last evaluated: 2024-10-07. Review status: criteria provided, single submitter. Criteria: LabCorp Variant Classification Summary - May 2015. Collection method: clinical testing. Allele origin: germline.
Comment: Variant summary: VWF c.1730-18G>T alters a non-conserved nucleotide located at a position not widely known to affect splicing. Consensus agreement among computation tools predict no significant impact on normal splicing. However, these predictions have yet to be confirmed by functional studies. The variant allele was found at a frequency of 3.9e-05 in 126920 control chromosomes. The available data on variant occurrences in the general population are insufficient to allow any conclusion about variant significance. To our knowledge, no occurrence of c.1730-18G>T in individuals affected with Von Willebrand Disease and no experimental evidence demonstrating its impact on protein function have been reported. No submitters have cited clinical-significance assessments for this variant to ClinVar. Based on the evidence outlined above, the variant was classified as likely benign.

NM_000552.5(VWF):c.1730-18G>T

Gene: VWF (von Willebrand factor; minus strand). Cytogenetic location: 12p13.31.
Variant type: single nucleotide variant.
Coding change: c.1730-18G>T on transcript NM_000552.5 (MANE Select); 18 bases into the intron before coding-DNA position 1730, G replaced by T.
Molecular consequence: intron variant.
Genome position (GRCh38, 1-based): chr12:6,057,090, C>A on the plus strand (G>T on the coding strand, the complement: VWF is on the minus strand). VCF-style: chr12-6057090-C-A. GRCh37 (hg19) VCF-style: chr12-6166256-C-A.
Identifiers: ClinVar variation 3384895 (VCV003384895.1).